The following is an entry in ClinVar:

NM_014314.4(RIGI):c.1451G>A (p.Ser484Asn)

Gene: RIGI (RNA sensor RIG-I; minus strand). Cytogenetic location: 9p21.1.
Variant type: single nucleotide variant.
Coding change: c.1451G>A on transcript NM_014314.4 (MANE Select); coding-DNA position 1451, G replaced by A.
Protein change: p.Ser484Asn; replaces serine 484 with asparagine.
Molecular consequence: missense variant.
Genome position (GRCh38, 1-based): chr9:32,485,204, C>T on the plus strand (G>A on the coding strand, the complement: RIGI is on the minus strand). VCF-style: chr9-32485204-C-T. GRCh37 (hg19) VCF-style: chr9-32485202-C-T.
Other names: c.1445G>A, p.Ser482Asn (NM_001385907.1); c.1451G>A, p.Ser484Asn (NM_001385909.1); c.1010G>A, p.Ser337Asn (NM_001385910.1); c.842G>A, p.Ser281Asn (NM_001385912.1); c.1436G>A, p.Ser479Asn (NM_001385913.1); c.1007G>A, p.Ser336Asn (NM_001385914.1); short protein forms S337N, S479N, S484N, S281N, S336N, S482N.
Identifiers: ClinVar variation 1376362 (VCV001376362.6), dbSNP rs1823881949, ClinGen allele CA373154515.

ClinVar aggregate classification (germline): Uncertain significance (1 of 4 stars; one submission).

Allele frequency attached by ClinVar (database versions not stated): gnomAD exomes below 0.00001.
gnomAD v4.1: 1 of 1,606,852 alleles (0.000062%); highest among the groups gnomAD compares: Middle Eastern, 0.017%; no homozygotes.

Submission:

Labcorp Genetics (formerly Invitae), Labcorp
Classification: Uncertain significance. Last evaluated: 2022-07-19. Review status: criteria provided, single submitter. Criteria: Invitae Variant Classification Sherloc (09022015). Collection method: clinical testing. Allele origin: germline.
Comment: In summary, the available evidence is currently insufficient to determine the role of this variant in disease. Therefore, it has been classified as a Variant of Uncertain Significance. Algorithms developed to predict the effect of missense changes on protein structure and function output the following: SIFT: "Tolerated"; PolyPhen-2: "Benign"; Align-GVGD: "Class C0". The asparagine amino acid residue is found in multiple mammalian species, which suggests that this missense change does not adversely affect protein function. ClinVar contains an entry for this variant (Variation ID: 1376362). This variant has not been reported in the literature in individuals affected with DDX58-related conditions. This variant is not present in population databases (gnomAD no frequency). This sequence change replaces serine, which is neutral and polar, with asparagine, which is neutral and polar, at codon 484 of the DDX58 protein (p.Ser484Asn).